The following is an entry in ClinVar:

NM_000059.4(BRCA2):c.8755-1G>C

Gene: BRCA2 (BRCA2 DNA repair associated; plus strand). Cytogenetic location: 13q13.1.
Variant type: single nucleotide variant.
Coding change: c.8755-1G>C on transcript NM_000059.4 (MANE Select); the canonical splice acceptor site of the intron before coding-DNA position 8755, G replaced by C.
Molecular consequence: splice acceptor variant.
Genome position (GRCh38, 1-based): chr13:32,379,316, G>C. VCF-style: chr13-32379316-G-C. GRCh37 (hg19) VCF-style: chr13-32953453-G-C.
Other names: c.8755-1G>C (NM_001406720.1); c.8659-1G>C (NM_001406719.1); c.3823-1G>C (NM_001406721.1); c.2338-1G>C (NM_001406722.1).
Identifiers: ClinVar variation 418090 (VCV000418090.21), dbSNP rs81002812, ClinGen allele CA16619783.

ClinVar aggregate classification (germline): Pathogenic/Likely pathogenic. Review status: criteria provided, multiple submitters, no conflicts (2 of 4 stars). 6 submissions from 6 submitters: Pathogenic (3); Likely pathogenic (2). 1 of the submissions does not count toward it. Last evaluated 2025-07-21.

Conditions:
Familial prostate cancer. Also called: Hereditary Prostate Cancer. Identifiers: MedGen C2931456, MONDO:0700275, OMIM 176807.
Familial cancer of breast. Also called: hereditary breast carcinoma; BREAST CANCER, FAMILIAL; Hereditary breast cancer. Identifiers: Orphanet 227535, MedGen C0346153, MONDO:0016419, OMIM 114480. Disease mechanism: loss of function.
Breast-ovarian cancer, familial, susceptibility to, 2 (BROVCA2). Also called: BRCA2 Hereditary Breast and Ovarian Cancer. Identifiers: Orphanet 145, MedGen C2675520, MONDO:0012933, OMIM 612555. Disease mechanism: loss of function.
Medulloblastoma (MDB). Also called: Medulloblastoma, somatic; MEDULLOBLASTOMA PREDISPOSITION SYNDROME. Identifiers: Orphanet 616, MedGen C0025149, MeSH D008527, MONDO:0007959, OMIM 155255, HP:0002885.
Wilms tumor 1 (WT1). Also called: Wilms tumor, somatic. Identifiers: Orphanet 654, MedGen CN033288, MONDO:0008679, OMIM 194070.
Pancreatic cancer, susceptibility to, 2. Identifiers: Orphanet 1333, MedGen C3150546, MONDO:0013235, OMIM 613347.
Glioma susceptibility 3 (GLM3). Also called: Glioblastoma 3. Identifiers: Orphanet 182067, Orphanet 360, MedGen C2751641, MONDO:0013093, OMIM 613029.
Fanconi anemia complementation group D1. Also called: BRCA2-Related Fanconi Anemia. Identifiers: Orphanet 319462, MedGen C1838457, MONDO:0011584, OMIM 605724.
Hereditary cancer-predisposing syndrome. Also called: Hereditary Cancer Syndrome; Tumor predisposition; Neoplastic Syndromes, Hereditary; Hereditary neoplastic syndrome. Identifiers: Orphanet 140162, MedGen C0027672, MeSH D009386, MONDO:0015356.
Hereditary breast ovarian cancer syndrome. Also called: Breast and ovarian cancer; Hereditary breast and ovarian cancer syndrome; BRCA1- and BRCA2-Associated Hereditary Breast and Ovarian Cancer; Hereditary breast and ovarian cancer syndrome (HBOC); Hereditary breast and/or ovarian cancer syndrome; Hereditary breast and ovarian cancer. Identifiers: Orphanet 145, MedGen C0677776, MeSH D061325, MONDO:0003582. Disease mechanism: loss of function.

Submissions (6):

Ambry Genetics
Classification: Pathogenic for Hereditary cancer-predisposing syndrome. Last evaluated: 2025-07-21. Review status: criteria provided, single submitter. Criteria: Ambry Variant Classification Scheme 2023. Collection method: clinical testing. Allele origin: germline.
Comment: The c.8755-1G>C intronic pathogenic mutation results from a G to C substitution one nucleotide upstream from coding exon 21 of the BRCA2 gene. This variant has been reported in at least one individual with breast cancer (Alanazi M et al. Saudi J Biol Sci. 2020 Oct;27(10):2651-2659). This variant is considered to be rare based on population cohorts in the Genome Aggregation Database (gnomAD). Two saturation genome editing-based studies, including a haploid cell-survival assay and a humanized mouse embryonic stem cell line assay of drug response and survival, demonstrate that this nucleotide substitution is non-functional (Huang H et al. Nature. 2025 Feb;638(8050):528-537; Sahu S et al. Nature. 2025 Feb;638(8050):538-545). This nucleotide position is highly conserved in available vertebrate species. In silico splice site analysis predicts that this alteration will weaken the native splice acceptor site and will result in the creation or strengthening of a novel splice acceptor site. Alterations that disrupt the canonical splice site are expected to cause aberrant splicing, resulting in an abnormal protein or a transcript that is subject to nonsense-mediated mRNA decay. Based on the supporting evidence, this variant is interpreted as a disease-causing mutation.

Fulgent Genetics
Classification: Pathogenic for Familial cancer of breast; Medulloblastoma; Familial prostate cancer; Wilms tumor 1; Fanconi anemia complementation group D1; Breast-ovarian cancer, familial, susceptibility to, 2; Glioma susceptibility 3; Pancreatic cancer, susceptibility to, 2. Last evaluated: 2024-03-13. Review status: criteria provided, single submitter. Criteria: ACMG Guidelines, 2015. Collection method: clinical testing. Allele origin: germline.

Labcorp Genetics (formerly Invitae), Labcorp
Classification: Pathogenic for Hereditary breast ovarian cancer syndrome. Last evaluated: 2024-02-05. Review status: criteria provided, single submitter. Criteria: Invitae Variant Classification Sherloc (09022015). Collection method: clinical testing. Allele origin: germline.
Comment: This sequence change affects an acceptor splice site in intron 21 of the BRCA2 gene. RNA analysis indicates that disruption of this splice site induces altered splicing and may result in an absent or disrupted protein product. This variant is not present in population databases (gnomAD no frequency). Disruption of this splice site has been observed in individual(s) with a personal and/or family history of breast and ovarian cancer (PMID: 9971877, 18489799, 24156927, 32994724). It has also been observed to segregate with disease in related individuals. ClinVar contains an entry for this variant (Variation ID: 418090). Studies have shown that disruption of this splice site alters mRNA splicing and is expected to lead to the loss of protein expression (PMID: 9971877, 23451180, 25382762). For these reasons, this variant has been classified as Pathogenic.

GeneDx
Classification: Likely pathogenic. Last evaluated: 2017-02-09. Review status: criteria provided, single submitter. Criteria: GeneDx Variant Classification (06012015). Collection method: clinical testing. Allele origin: germline. Affected: yes.
Comment: This variant is denoted BRCA2 c.8755-1G>C or IVS21-1G>C and consists of a G>C nucleotide substitution at the -1 position of intron 21 of the BRCA2 gene. Using alternate nomenclature, this variant would be defined as BRCA2 8983-1G>C. This variant destroys a canonical splice acceptor site and is predicted to cause abnormal gene splicing, leading to either an abnormal message that is subject to nonsense-mediated mRNA decay or to an abnormal protein product. This variant has not, to our knowledge, been published in the literature. Based on the currently available information, we consider BRCA2 c.8755-1G>C to be a likely pathogenic variant.

Quest Diagnostics Nichols Institute San Juan Capistrano
Classification: Likely pathogenic. Last evaluated: 2016-09-02. Review status: criteria provided, single submitter. Criteria: Quest Diagnostics criteria. Collection method: clinical testing. Allele origin: germline.

Counsyl
Classification: Likely pathogenic for Breast-ovarian cancer, familial, susceptibility to, 2. Last evaluated: 2017-02-21. Review status: no assertion criteria provided. Collection method: clinical testing. Allele origin: unknown. Not counted in ClinVar's aggregate classification.

Literature cited by the submitters: PubMed 32994724 (cited by Ambry Genetics and Labcorp Genetics (formerly Invitae), Labcorp); PubMed 39779848 (cited by Ambry Genetics); PubMed 39779857 (cited by Ambry Genetics); PubMed 9971877 (cited by Labcorp Genetics (formerly Invitae), Labcorp); PubMed 18489799 (cited by Labcorp Genetics (formerly Invitae), Labcorp); PubMed 24156927 (cited by Labcorp Genetics (formerly Invitae), Labcorp); PubMed 23451180 (cited by Labcorp Genetics (formerly Invitae), Labcorp); PubMed 25382762 (cited by Labcorp Genetics (formerly Invitae), Labcorp).